The following is an entry in ClinVar:

NM_000256.3(MYBPC3):c.522_524del (p.Phe174_Ser175delinsLeu)

Gene: MYBPC3 (myosin binding protein C3; minus strand). Cytogenetic location: 11p11.2.
Variant type: Deletion.
Coding change: c.522_524del on transcript NM_000256.3 (MANE Select); coding-DNA positions 522 to 524, 3 bases deleted (CTC; older notation c.522_524delCTC).
Protein change: p.Phe174_Ser175delinsLeu.
Molecular consequence: inframe indel.
Genome position (GRCh38, 1-based): chr11:47,349,904-47,349,906, GAG deleted on the plus strand (CTC on the coding strand, the reverse complement: MYBPC3 is on the minus strand). VCF-style (leftmost placement, unchanged base first): chr11-47349903-TGAG-T. GRCh37 (hg19) VCF-style: chr11-47371454-TGAG-T.
Identifiers: ClinVar variation 1392774 (VCV001392774.6), dbSNP rs2142867843, ClinGen allele CA2573147275.

ClinVar aggregate classification (germline): Uncertain significance (1 of 4 stars; one submission).

Conditions:
Hypertrophic cardiomyopathy. Also called: HYPERTROPHIC MYOCARDIOPATHY. Identifiers: Orphanet 217569, MedGen C0007194, MeSH D002312, MONDO:0005045, HP:0001639.

Submission:

Labcorp Genetics (formerly Invitae), Labcorp
Classification: Uncertain significance for Hypertrophic cardiomyopathy. Last evaluated: 2025-09-15. Review status: criteria provided, single submitter. Criteria: Invitae Variant Classification Sherloc (09022015). Collection method: clinical testing. Allele origin: germline.
Comment: This variant, c.522_524del, is a complex sequence change that results in the deletion of 2 and insertion of 1 amino acid(s) in the MYBPC3 protein (p.Phe174_Ser175delinsLeu). This variant is not present in population databases (gnomAD no frequency). This variant has not been reported in the literature in individuals affected with MYBPC3-related conditions. ClinVar contains an entry for this variant (Variation ID: 1392774). Experimental studies and prediction algorithms are not available or were not evaluated, and the functional significance of this variant is currently unknown. In summary, the available evidence is currently insufficient to determine the role of this variant in disease. Therefore, it has been classified as a Variant of Uncertain Significance.